The following is an entry in ClinVar:

NM_023036.6(DNAI2):c.232G>A (p.Glu78Lys)

Gene: DNAI2 (dynein axonemal intermediate chain 2; plus strand). Cytogenetic location: 17q25.1.
Variant type: single nucleotide variant.
Coding change: c.232G>A on transcript NM_023036.6 (MANE Select); coding-DNA position 232, G replaced by A.
Protein change: p.Glu78Lys; replaces glutamic acid 78 with lysine.
Molecular consequence: missense variant. On other transcripts: non-coding transcript variant (1).
Genome position (GRCh38, 1-based): chr17:74,285,088, G>A. VCF-style: chr17-74285088-G-A. GRCh37 (hg19) VCF-style: chr17-72281227-G-A.
Other names: c.232G>A, p.Glu78Lys (NM_001172810.3, NM_001353167.2); short protein forms E78K.
Identifiers: ClinVar variation 5035479 (VCV005035479.1).
Genomic context (GRCh38, chr17:74,285,088, plus strand): 5'-CTCTCTGTTTAGGCCAACTCAGAGCGGTTTGAGATGGAGACCCGGGGAGTTAACCATGTC[G>A]AGGGGGGCTGGCCCAAGGACGTGAACCCCCTGGAGCTGGAGCAGACCATCCGTTTCCGGA-3'
Protein context (NP_075462.3, residues 68-88): EMETRGVNHV[Glu78Lys]GGWPKDVNPL

ClinVar aggregate classification (germline): Uncertain significance (1 of 4 stars; one submission).

Conditions:
Primary ciliary dyskinesia. Also called: Ciliary dyskinesia. Identifiers: Orphanet 244, MedGen C0008780, MONDO:0016575, HP:0012265.

gnomAD v4.1: 15 of 1,614,202 alleles (0.00093%); highest among the groups gnomAD compares: South Asian, 0.0088%; no homozygotes.

Submission:

Ambry Genetics
Classification: Uncertain significance for Primary ciliary dyskinesia. Last evaluated: 2026-07-11. Review status: criteria provided, single submitter. Criteria: Ambry Variant Classification Scheme 2023. Collection method: clinical testing. Allele origin: germline.
Comment: The p.E78K variant (also known as c.232G>A), located in coding exon 2 of the DNAI2 gene, results from a G to A substitution at nucleotide position 232. The glutamic acid at codon 78 is replaced by lysine, an amino acid with similar properties. This amino acid position is conserved. In addition, the in silico prediction for this alteration is inconclusive. Based on the available evidence, the clinical significance of this variant remains unclear.